The following is an entry in ClinVar:

ClinVar aggregate classification (germline): Uncertain significance (1 of 4 stars; one submission).

Conditions:
Familial thoracic aortic aneurysm and aortic dissection (TAAD). Also called: Thoracic aortic aneurysms and dissections. Identifiers: Orphanet 91387, MedGen C4707243, MONDO:0019625.

Submission:

All of Us Research Program, National Institutes of Health
Classification: Uncertain significance for Familial thoracic aortic aneurysm and aortic dissection. Last evaluated: 2023-04-27. Review status: criteria provided, single submitter. Criteria: ACMG Guidelines, 2015. Collection method: clinical testing. Allele origin: germline. Inheritance: Autosomal dominant inheritance. Observed: 1 variant allele, 1 heterozygote.
Comment: This study involves interpretation of variants in research participants for the purpose of population health screening. Participant phenotype was not available at the time of variant classification. Additional details can be found in publication PMID: 35346344, PMCID: PMC8962531

NM_002474.3(MYH11):c.307C>T (p.His103Tyr)

Gene: MYH11 (myosin heavy chain 11; minus strand). Cytogenetic location: 16p13.11.
Variant type: single nucleotide variant.
Coding change: c.307C>T on transcript NM_002474.3 (MANE Select); coding-DNA position 307, C replaced by T.
Protein change: p.His103Tyr; replaces histidine 103 with tyrosine.
Molecular consequence: missense variant.
Genome position (GRCh38, 1-based): chr16:15,837,946, G>A on the plus strand (C>T on the coding strand, the complement: MYH11 is on the minus strand). VCF-style: chr16-15837946-G-A. GRCh37 (hg19) VCF-style: chr16-15931803-G-A.
Other names: c.307C>T, p.His103Tyr (NM_001040113.2, NM_001040114.2, NM_022844.3); short protein forms H103Y.
Identifiers: ClinVar variation 3070028 (VCV003070028.1), dbSNP rs2507036168, ClinGen allele CA395198219.